The following is an entry in ClinVar:

NM_017780.4(CHD7):c.3053C>G (p.Pro1018Arg)

Gene: CHD7 (chromodomain helicase DNA binding protein 7; plus strand). Cytogenetic location: 8q12.2.
Variant type: single nucleotide variant.
Coding change: c.3053C>G on transcript NM_017780.4 (MANE Select); coding-DNA position 3053, C replaced by G.
Protein change: p.Pro1018Arg; replaces proline 1018 with arginine.
Molecular consequence: missense variant. On other transcripts: intron variant (1).
Genome position (GRCh38, 1-based): chr8:60,822,598, C>G. VCF-style: chr8-60822598-C-G. GRCh37 (hg19) VCF-style: chr8-61735157-C-G.
Other names: c.1717-39631C>G (NM_001316690.1); short protein forms P1018R.
Identifiers: ClinVar variation 3363641 (VCV003363641.1).

ClinVar aggregate classification (germline): Uncertain significance (1 of 4 stars; one submission).

Submission:

GeneDx
Classification: Uncertain significance. Last evaluated: 2023-11-06. Review status: criteria provided, single submitter. Criteria: GeneDx Variant Classification Process June 2021. Collection method: clinical testing. Allele origin: germline. Affected: yes.
Comment: Not observed at significant frequency in large population cohorts (gnomAD); In silico analysis supports that this missense variant has a deleterious effect on protein structure/function; Has not been previously published as pathogenic or benign to our knowledge